The following is an entry in ClinVar:

ClinVar aggregate classification (germline): Likely benign. Review status: criteria provided, multiple submitters, no conflicts (2 of 4 stars). 4 submissions from 4 submitters: Likely benign (4). Last evaluated 2026-09-01.

Conditions:
Ehlers-Danlos syndrome, type 4 (EDSVASC). Also called: Ehlers-Danlos syndrome vascular type; Ehlers Danlos syndrome, ecchymotic type; Ehlers Danlos syndrome, arterial type; Ehlers Danlos syndrome, Sack-Barabas type; Ehlers-Danlos Syndrome Type IV. Identifiers: Orphanet 286, MedGen C0268338, MONDO:0017314, OMIM 130050.
Familial thoracic aortic aneurysm and aortic dissection (TAAD). Also called: Thoracic aortic aneurysms and dissections. Identifiers: Orphanet 91387, MedGen C4707243, MONDO:0019625.

Allele frequency attached by ClinVar (database versions not stated): gnomAD exomes 0.00001.
gnomAD v4.1: 7 of 1,551,792 alleles (0.00045%); highest among the groups gnomAD compares: Non-Finnish European, 0.00061%; no homozygotes.

Submissions (4):

CeGaT Center for Human Genetics Tuebingen
Classification: Likely benign. Last evaluated: 2026-09-01. Review status: criteria provided, single submitter. Criteria: CeGaT Center For Human Genetics Tuebingen Variant Classification Criteria Version 2. Collection method: clinical testing. Allele origin: germline. Affected: yes. Observed: 1 variant allele.
Comment: COL3A1: BP4, BP7

Labcorp Genetics (formerly Invitae), Labcorp
Classification: Likely benign for Ehlers-Danlos syndrome, type 4. Last evaluated: 2025-03-05. Review status: criteria provided, single submitter. Criteria: Invitae Variant Classification Sherloc (09022015). Collection method: clinical testing. Allele origin: germline.

All of Us Research Program, National Institutes of Health
Classification: Likely benign for Ehlers-Danlos syndrome, type 4. Last evaluated: 2024-03-14. Review status: criteria provided, single submitter. Criteria: ACMG Guidelines, 2015. Collection method: clinical testing. Allele origin: germline. Inheritance: Autosomal dominant inheritance. Observed: 1 variant allele, 1 heterozygote.
Comment: This study involves interpretation of variants in research participants for the purpose of population health screening. Participant phenotype was not available at the time of variant classification. Additional details can be found in publication PMID: 35346344, PMCID: PMC8962531

Ambry Genetics
Classification: Likely benign for Familial thoracic aortic aneurysm and aortic dissection. Last evaluated: 2019-02-20. Review status: criteria provided, single submitter. Criteria: Ambry Variant Classification Scheme 2023. Collection method: clinical testing. Allele origin: germline.

NM_000090.4(COL3A1):c.2484G>T (p.Gly828=)

Gene: COL3A1 (collagen type III alpha 1 chain; plus strand). Cytogenetic location: 2q32.2.
Variant type: single nucleotide variant.
Coding change: c.2484G>T on transcript NM_000090.4 (MANE Select); coding-DNA position 2484, G replaced by T.
Protein change: p.Gly828=; no amino-acid change (glycine 828 retained).
Molecular consequence: synonymous variant.
Genome position (GRCh38, 1-based): chr2:189,002,993, G>T. VCF-style: chr2-189002993-G-T. GRCh37 (hg19) VCF-style: chr2-189867719-G-T.
Identifiers: ClinVar variation 1791968 (VCV001791968.9), dbSNP rs1214055165, ClinGen allele CA430311332.
Genomic context (GRCh38, chr2:189,002,993, plus strand): 5'-TTGCTGTTGTTGTTGCATGTAGGGACAGAATGGTGAACCTGGTGGTAAAGGAGAAAGAGG[G>T]GCTCCGGGTGAGAAAGGTGAAGGAGGCCCTCCTGGAGTTGCAGGACCCCCTGGAGGTTCT-3'
Protein context (NP_000081.2, residues 818-838): NGEPGGKGER[Gly828=]APGEKGEGGP